The following is an entry in ClinVar:

NM_014321.4(ORC6):c.196-1G>A

Gene: ORC6 (origin recognition complex subunit 6; plus strand). Cytogenetic location: 16q11.2.
Variant type: single nucleotide variant.
Coding change: c.196-1G>A on transcript NM_014321.4 (MANE Select); the canonical splice acceptor site of the intron before coding-DNA position 196, G replaced by A.
Molecular consequence: splice acceptor variant.
Genome position (GRCh38, 1-based): chr16:46,692,381, G>A. VCF-style: chr16-46692381-G-A. GRCh37 (hg19) VCF-style: chr16-46726293-G-A.
Identifiers: ClinVar variation 632252 (VCV000632252.9), dbSNP rs748927298, ClinGen allele CA8037327.

ClinVar aggregate classification (germline): Likely pathogenic (1 of 4 stars; one submission).

Allele frequency attached by ClinVar (database versions not stated): gnomAD exomes 0.00001 and below 0.00001; gnomAD 0.00006 and 0.00007; ExAC 0.00001; TOPMed 0.00005.

Submission:

Labcorp Genetics (formerly Invitae), Labcorp
Classification: Likely pathogenic. Last evaluated: 2026-01-27. Review status: criteria provided, single submitter. Criteria: Invitae Variant Classification Sherloc (09022015). Collection method: clinical testing. Allele origin: germline.
Comment: This sequence change affects an acceptor splice site in intron 2 of the ORC6 gene. It is expected to disrupt RNA splicing. Variants that disrupt the donor or acceptor splice site typically lead to a loss of protein function (PMID: 16199547), and loss-of-function variants in ORC6 are known to be pathogenic (PMID: 21358632, 25691413). This variant is present in population databases (rs748927298, gnomAD 0.01%). This variant has not been reported in the literature in individuals affected with ORC6-related conditions. ClinVar contains an entry for this variant (Variation ID: 632252). Algorithms developed to predict the effect of sequence changes on RNA splicing suggest that this variant may disrupt the consensus splice site. In summary, the currently available evidence indicates that the variant is pathogenic, but additional data are needed to prove that conclusively. Therefore, this variant has been classified as Likely Pathogenic.

Literature cited by the submitters: PubMed 16199547; PubMed 21358632; PubMed 25691413.